The following is an entry in ClinVar:

NM_000083.3(CLCN1):c.2693G>A (p.Gly898Glu)

Gene: CLCN1 (chloride voltage-gated channel 1; plus strand). Cytogenetic location: 7q34.
Variant type: single nucleotide variant.
Coding change: c.2693G>A on transcript NM_000083.3 (MANE Select); coding-DNA position 2693, G replaced by A.
Protein change: p.Gly898Glu; replaces glycine 898 with glutamic acid.
Molecular consequence: missense variant. On other transcripts: non-coding transcript variant (1).
Genome position (GRCh38, 1-based): chr7:143,351,691, G>A. VCF-style: chr7-143351691-G-A. GRCh37 (hg19) VCF-style: chr7-143048784-G-A.
Other names: short protein forms G898E.
Identifiers: ClinVar variation 1063100 (VCV001063100.14), dbSNP rs149188892, ClinGen allele CA4537770.
Genomic context (GRCh38, chr7:143,351,691, plus strand): 5'-TGCAGCTCCGCCCTCCCCTTGCCAGCTTCCGGAACACGACTTCAACTCGAAAGAGTACCG[G>A]GGCACCTCCATCTTCTGCAGAGAACTGGAACCTGCCTGAGGACAGGCCTGGGGCCACTGG-3'
Protein context (NP_000074.3, residues 888-908): RNTTSTRKST[Gly898Glu]APPSSAENWN

ClinVar aggregate classification (germline): Conflicting classifications of pathogenicity. Review status: criteria provided, conflicting classifications (1 of 4 stars). 2 submissions from 2 submitters: Uncertain significance (1); Likely benign (1). Last evaluated 2025-09-10.

Conditions:
Congenital myotonia, autosomal dominant form (THD). Also called: THOMSEN DISEASE; Myotonia congenita autosomal dominant. Identifiers: Orphanet 614, MedGen C2936781, MONDO:0008055, OMIM 160800.
Congenital myotonia, autosomal recessive form. Also called: Becker Generalized Myotonia; myotonia congenita, autosomal recessive; BECKER DISEASE. Identifiers: Orphanet 614, MedGen C0751360, MONDO:0009715, OMIM 255700.
Inborn genetic diseases. Identifiers: MedGen C0950123, MeSH D030342.

Allele frequency attached by ClinVar (database versions not stated): ExAC 0.00003; gnomAD exomes 0.00004; gnomAD 0.00005; TOPMed 0.00010; ESP Exome Variant Server 0.00015.
gnomAD v4.1: 14 of 1,614,042 alleles (0.00087%); highest among the groups gnomAD compares: African/African-American, 0.017%; no homozygotes.

Submissions (2):

Ambry Genetics
Classification: Uncertain significance for Inborn genetic diseases. Last evaluated: 2025-09-10. Review status: criteria provided, single submitter. Criteria: Ambry Variant Classification Scheme 2023. Collection method: clinical testing. Allele origin: germline.

Labcorp Genetics (formerly Invitae), Labcorp
Classification: Likely benign for Congenital myotonia, autosomal recessive form; Congenital myotonia, autosomal dominant form. Last evaluated: 2024-02-11. Review status: criteria provided, single submitter. Criteria: Invitae Variant Classification Sherloc (09022015). Collection method: clinical testing. Allele origin: germline.